The following is an entry in ClinVar:

NM_001034850.3(RETREG1):c.217G>C (p.Gly73Arg)

Genes: RETREG1 (reticulophagy regulator 1; minus strand), RETREG1-AS1 (RETREG1 antisense RNA 1; plus strand), LOC129993734 (ATAC-STARR-seq lymphoblastoid silent region 15947; plus strand). Cytogenetic location: 5p15.1.
Variant type: single nucleotide variant.
Coding change: c.217G>C on transcript NM_001034850.3 (MANE Select); coding-DNA position 217, G replaced by C.
Protein change: p.Gly73Arg; replaces glycine 73 with arginine.
Molecular consequence: missense variant.
Genome position (GRCh38, 1-based): chr5:16,616,755, C>G on the plus strand (G>C on the coding strand, the complement: RETREG1 is on the minus strand). VCF-style: chr5-16616755-C-G. GRCh37 (hg19) VCF-style: chr5-16616864-C-G.
Other names: short protein forms G73R.
Identifiers: ClinVar variation 1403735 (VCV001403735.8), dbSNP rs747031648, ClinGen allele CA3210538.

ClinVar aggregate classification (germline): Uncertain significance (1 of 4 stars; one submission).

Allele frequency attached by ClinVar (database versions not stated): gnomAD 0.00001; gnomAD exomes 0.00002.
gnomAD v4.1: 24 of 1,565,950 alleles (0.0015%); highest among the groups gnomAD compares: South Asian, 0.014%; 1 homozygote.

Submission:

Labcorp Genetics (formerly Invitae), Labcorp
Classification: Uncertain significance. Last evaluated: 2021-03-25. Review status: criteria provided, single submitter. Criteria: Invitae Variant Classification Sherloc (09022015). Collection method: clinical testing. Allele origin: germline.
Comment: In summary, the available evidence is currently insufficient to determine the role of this variant in disease. Therefore, it has been classified as a Variant of Uncertain Significance. Algorithms developed to predict the effect of missense changes on protein structure and function are either unavailable or do not agree on the potential impact of this missense change (SIFT: "Deleterious"; PolyPhen-2: "Probably Damaging"; Align-GVGD: "Class C0"). This variant has not been reported in the literature in individuals with RETREG1-related conditions. This variant is present in population databases (rs747031648, ExAC 0.01%). This sequence change replaces glycine with arginine at codon 73 of the RETREG1 protein (p.Gly73Arg). The glycine residue is weakly conserved and there is a moderate physicochemical difference between glycine and arginine.